The following is an entry in ClinVar:

ClinVar aggregate classification (germline): Conflicting classifications of pathogenicity. Review status: criteria provided, conflicting classifications (1 of 4 stars). 3 submissions from 3 submitters: Uncertain significance (2); Likely benign (1). Last evaluated 2022-06-20.

Conditions:
Inborn genetic diseases. Identifiers: MedGen C0950123, MeSH D030342.
Hypermethioninemia with deficiency of S-adenosylhomocysteine hydrolase. Identifiers: Orphanet 88618, MedGen C3151058, MONDO:0013404, OMIM 613752.

Allele frequency attached by ClinVar (database versions not stated): gnomAD exomes 0.00003 and 0.00004; ExAC 0.00005; gnomAD 0.00009; TOPMed 0.00009; ESP Exome Variant Server 0.00015.
gnomAD v4.1: 74 of 1,613,946 alleles (0.0046%); highest among the groups gnomAD compares: African/African-American, 0.055%; 1 homozygote.

Submissions (3):

Labcorp Genetics (formerly Invitae), Labcorp
Classification: Uncertain significance for Hypermethioninemia with deficiency of S-adenosylhomocysteine hydrolase. Last evaluated: 2022-06-20. Review status: criteria provided, single submitter. Criteria: Invitae Variant Classification Sherloc (09022015). Collection method: clinical testing. Allele origin: germline.
Comment: This sequence change replaces arginine, which is basic and polar, with cysteine, which is neutral and slightly polar, at codon 34 of the AHCY protein (p.Arg34Cys). This variant is present in population databases (rs145239391, gnomAD 0.03%). This variant has not been reported in the literature in individuals affected with AHCY-related conditions. ClinVar contains an entry for this variant (Variation ID: 930024). Algorithms developed to predict the effect of missense changes on protein structure and function are either unavailable or do not agree on the potential impact of this missense change (SIFT: "Not Available"; PolyPhen-2: "Benign"; Align-GVGD: "Not Available"). In summary, the available evidence is currently insufficient to determine the role of this variant in disease. Therefore, it has been classified as a Variant of Uncertain Significance.

Ambry Genetics
Classification: Uncertain significance for Inborn genetic diseases. Last evaluated: 2021-07-16. Review status: criteria provided, single submitter. Criteria: Ambry Variant Classification Scheme 2023. Collection method: clinical testing. Allele origin: germline.

Laboratory for Molecular Medicine, Mass General Brigham Personalized Medicine
Classification: Likely benign. Last evaluated: 2020-07-13. Review status: criteria provided, single submitter. Criteria: ACMG Guidelines, 2015. Collection method: clinical testing. Allele origin: germline. Inheritance: Autosomal recessive inheritance.
Comment: The p.Arg34Cys variant in AHCY is classified as likely benign because it was identified in the homozygous state in an individual with normal methionine and homocysteine levels, which are not consistent with presentation of hypermethioninemia with deficiency of S-adenosylhomocysteine hydrolase. This variant has been identified in 0.028% (7/24814) of African chromosomes by the Genome Aggregation Database (gnomAD; dbSNP rs145239391). ACMG/AMP Criteria applied: BS3

NM_000687.4(AHCY):c.100C>T (p.Arg34Cys)

Gene: AHCY (adenosylhomocysteinase; minus strand). Cytogenetic location: 20q11.22.
Variant type: single nucleotide variant.
Coding change: c.100C>T on transcript NM_000687.4 (MANE Select); coding-DNA position 100, C replaced by T.
Protein change: p.Arg34Cys; replaces arginine 34 with cysteine.
Molecular consequence: missense variant.
Genome position (GRCh38, 1-based): chr20:34,295,514, G>A on the plus strand (C>T on the coding strand, the complement: AHCY is on the minus strand). VCF-style: chr20-34295514-G-A. GRCh37 (hg19) VCF-style: chr20-32883320-G-A.
Other names: c.16C>T, p.Arg6Cys (NM_001161766.2, NM_001322084.2, NM_001322085.2); c.106C>T, p.Arg36Cys (NM_001322086.2); c.100C>T, p.Arg34Cys (NM_001362750.2); c.100C>T (NM_000687.2); short protein forms R36C, R6C, R34C.
Identifiers: ClinVar variation 930024 (VCV000930024.8), dbSNP rs145239391, ClinGen allele CA9821137.